The following is an entry in ClinVar:

ClinVar aggregate classification (germline): Uncertain significance. Review status: criteria provided, multiple submitters, no conflicts (2 of 4 stars). 4 submissions from 4 submitters: Uncertain significance (4). Last evaluated 2025-01-20.

Conditions:
Nephronophthisis. Also called: Juvenile Nephronophthisis. Identifiers: Orphanet 655, MedGen C0687120, MONDO:0019005, HP:0000090.
Inborn genetic diseases. Identifiers: MedGen C0950123, MeSH D030342.
Senior-Loken syndrome 5 (SLSN5). Identifiers: Orphanet 3156, MedGen C1836517, MONDO:0012225, OMIM 609254.

Allele frequency attached by ClinVar (database versions not stated): ExAC 0.00001; gnomAD exomes 0.00001; TOPMed 0.00003; gnomAD 0.00008.

Submissions (4):

Ambry Genetics
Classification: Uncertain significance for Inborn genetic diseases. Last evaluated: 2025-01-20. Review status: criteria provided, single submitter. Criteria: Ambry Variant Classification Scheme 2023. Collection method: clinical testing. Allele origin: germline.

Blueprint Genetics
Classification: Uncertain significance. Last evaluated: 2023-07-11. Review status: criteria provided, single submitter. Criteria: ACMG Guidelines, 2015. Collection method: clinical testing. Allele origin: germline.

Labcorp Genetics (formerly Invitae), Labcorp
Classification: Uncertain significance for Nephronophthisis. Last evaluated: 2022-08-16. Review status: criteria provided, single submitter. Criteria: Invitae Variant Classification Sherloc (09022015). Collection method: clinical testing. Allele origin: germline.
Comment: This sequence change replaces alanine, which is neutral and non-polar, with serine, which is neutral and polar, at codon 442 of the IQCB1 protein (p.Ala442Ser). This variant is present in population databases (rs780327292, gnomAD 0.008%). This variant has not been reported in the literature in individuals affected with IQCB1-related conditions. ClinVar contains an entry for this variant (Variation ID: 1001855). Algorithms developed to predict the effect of missense changes on protein structure and function output the following: SIFT: "Tolerated"; PolyPhen-2: "Benign"; Align-GVGD: "Class C0". The serine amino acid residue is found in multiple mammalian species, which suggests that this missense change does not adversely affect protein function. In summary, the available evidence is currently insufficient to determine the role of this variant in disease. Therefore, it has been classified as a Variant of Uncertain Significance.

Fulgent Genetics
Classification: Uncertain significance for Senior-Loken syndrome 5. Last evaluated: 2022-02-03. Review status: criteria provided, single submitter. Criteria: ACMG Guidelines, 2015. Collection method: clinical testing. Allele origin: unknown.

NM_001023570.4(IQCB1):c.1324G>T (p.Ala442Ser)

Gene: IQCB1 (IQ motif containing B1; minus strand). Cytogenetic location: 3q13.33.
Variant type: single nucleotide variant.
Coding change: c.1324G>T on transcript NM_001023570.4 (MANE Select); coding-DNA position 1324, G replaced by T.
Protein change: p.Ala442Ser; replaces alanine 442 with serine.
Molecular consequence: missense variant. On other transcripts: non-coding transcript variant (1).
Genome position (GRCh38, 1-based): chr3:121,781,829, C>A on the plus strand (G>T on the coding strand, the complement: IQCB1 is on the minus strand). VCF-style: chr3-121781829-C-A. GRCh37 (hg19) VCF-style: chr3-121500676-C-A.
Other names: c.925G>T, p.Ala309Ser (NM_001023571.4); c.1324G>T, p.Ala442Ser (NM_001319107.2); c.1324G>T (NM_001023570.2); short protein forms A309S, A442S.
Identifiers: ClinVar variation 1001855 (VCV001001855.9), dbSNP rs780327292, ClinGen allele CA2567125.